The following is an entry in ClinVar:

ClinVar aggregate classification (germline): Likely benign (1 of 4 stars; one submission).

Allele frequency attached by ClinVar (database versions not stated): 1000 Genomes Project 0.00040; 1000 Genomes Project 30x 0.00047; TOPMed 0.00112; ESP Exome Variant Server 0.00201; gnomAD 0.00203; ExAC 0.00235; gnomAD exomes 0.00240.

Submission:

CeGaT Center for Human Genetics Tuebingen
Classification: Likely benign. Last evaluated: 2022-12-01. Review status: criteria provided, single submitter. Criteria: CeGaT Center For Human Genetics Tuebingen Variant Classification Criteria Version 2. Collection method: clinical testing. Allele origin: germline. Affected: yes. Observed: 1 variant allele.
Comment: PDIA2: BP4, BP7

NM_006849.4(PDIA2):c.1129C>T (p.Leu377=)

Gene: PDIA2 (protein disulfide isomerase family A member 2; plus strand). Cytogenetic location: 16p13.3.
Variant type: single nucleotide variant.
Coding change: c.1129C>T on transcript NM_006849.4 (MANE Select); coding-DNA position 1129, C replaced by T.
Protein change: p.Leu377=; no amino-acid change (leucine 377 retained).
Molecular consequence: synonymous variant.
Genome position (GRCh38, 1-based): chr16:286,362, C>T. VCF-style: chr16-286362-C-T. GRCh37 (hg19) VCF-style: chr16-336362-C-T.
Identifiers: ClinVar variation 2645782 (VCV002645782.24), dbSNP rs190260612, ClinGen allele CA7773400.